The following is an entry in ClinVar:

NM_053025.4(MYLK):c.4837+3A>G

Gene: MYLK (myosin light chain kinase; minus strand). Cytogenetic location: 3q21.1.
Variant type: single nucleotide variant.
Coding change: c.4837+3A>G on transcript NM_053025.4 (MANE Select); 3 bases into the intron after coding-DNA position 4837, A replaced by G.
Molecular consequence: intron variant.
Genome position (GRCh38, 1-based): chr3:123,640,284, T>C on the plus strand (A>G on the coding strand, the complement: MYLK is on the minus strand). VCF-style: chr3-123640284-T-C. GRCh37 (hg19) VCF-style: chr3-123359131-T-C.
Other names: c.4309+3A>G (NM_001321309.2); c.4630+3A>G (NM_053028.4, NM_053026.4); c.4837+3A>G (NM_053027.4).
Identifiers: ClinVar variation 960104 (VCV000960104.7), dbSNP rs1457363329, ClinGen allele CA546076784.

ClinVar aggregate classification (germline): Uncertain significance (1 of 4 stars; one submission).

Conditions:
Aortic aneurysm, familial thoracic 7 (AAT7). Also called: AORTIC DISSECTION, FAMILIAL, WITH OR WITHOUT AORTIC ANEURYSM. Identifiers: MedGen C3151077, MONDO:0013418, OMIM 613780.

Allele frequency attached by ClinVar (database versions not stated): gnomAD exomes below 0.00001; gnomAD 0.00001.
gnomAD v4.1: 4 of 1,613,642 alleles (0.00025%); highest among the groups gnomAD compares: African/African-American, 0.0027%; no homozygotes.

Submission:

Labcorp Genetics (formerly Invitae), Labcorp
Classification: Uncertain significance for Aortic aneurysm, familial thoracic 7. Last evaluated: 2024-03-08. Review status: criteria provided, single submitter. Criteria: Invitae Variant Classification Sherloc (09022015). Collection method: clinical testing. Allele origin: germline.
Comment: This sequence change falls in intron 28 of the MYLK gene. It does not directly change the encoded amino acid sequence of the MYLK protein. It affects a nucleotide within the consensus splice site. This variant is present in population databases (no rsID available, gnomAD 0.01%). This variant has not been reported in the literature in individuals affected with MYLK-related conditions. ClinVar contains an entry for this variant (Variation ID: 960104). Variants that disrupt the consensus splice site are a relatively common cause of aberrant splicing (PMID: 17576681, 9536098). Algorithms developed to predict the effect of sequence changes on RNA splicing suggest that this variant is not likely to affect RNA splicing. In summary, the available evidence is currently insufficient to determine the role of this variant in disease. Therefore, it has been classified as a Variant of Uncertain Significance.

Literature cited by the submitters: PubMed 17576681; PubMed 9536098.